The following is an entry in ClinVar:

NM_001042492.3(NF1):c.4311G>C (p.Arg1437Ser)

Gene: NF1 (neurofibromin 1; plus strand). Cytogenetic location: 17q11.2.
Variant type: single nucleotide variant.
Coding change: c.4311G>C on transcript NM_001042492.3 (MANE Select); coding-DNA position 4311, G replaced by C.
Protein change: p.Arg1437Ser; replaces arginine 1437 with serine.
Molecular consequence: missense variant.
Genome position (GRCh38, 1-based): chr17:31,258,481, G>C. VCF-style: chr17-31258481-G-C. GRCh37 (hg19) VCF-style: chr17-29585499-G-C.
Other names: c.4248G>C, p.Arg1416Ser (NM_000267.4); short protein forms R1416S, R1437S.
Identifiers: ClinVar variation 3634552 (VCV003634552.2).

ClinVar aggregate classification (germline): Uncertain significance (1 of 4 stars; one submission).

Conditions:
Neurofibromatosis, type 1 (NF1). Also called: VON RECKLINGHAUSEN DISEASE; Peripheral type neurofibromatosis; NEUROFIBROMATOSIS, TYPE I, SOMATIC; Neurofibromatosis, type I. Identifiers: Orphanet 636, MedGen C0027831, MONDO:0018975, OMIM 162200. Disease mechanism: loss of function.

Submission:

Labcorp Genetics (formerly Invitae), Labcorp
Classification: Uncertain significance for Neurofibromatosis, type 1. Last evaluated: 2024-06-30. Review status: criteria provided, single submitter. Criteria: Invitae Variant Classification Sherloc (09022015). Collection method: clinical testing. Allele origin: germline.
Comment: This sequence change replaces arginine, which is basic and polar, with serine, which is neutral and polar, at codon 1416 of the NF1 protein (p.Arg1416Ser). This variant is not present in population databases (gnomAD no frequency). This variant has not been reported in the literature in individuals affected with NF1-related conditions. Advanced modeling of protein sequence and biophysical properties (such as structural, functional, and spatial information, amino acid conservation, physicochemical variation, residue mobility, and thermodynamic stability) performed at Invitae indicates that this missense variant is expected to disrupt NF1 protein function with a positive predictive value of 95%. In summary, the available evidence is currently insufficient to determine the role of this variant in disease. Therefore, it has been classified as a Variant of Uncertain Significance.